The following is an entry in ClinVar:

NM_000492.4(CFTR):c.2770G>C (p.Asp924His)

Gene: CFTR (CF transmembrane conductance regulator; plus strand). Cytogenetic location: 7q31.2.
Variant type: single nucleotide variant.
Coding change: c.2770G>C on transcript NM_000492.4 (MANE Select); coding-DNA position 2770, G replaced by C.
Protein change: p.Asp924His; replaces aspartic acid 924 with histidine.
Molecular consequence: missense variant.
Genome position (GRCh38, 1-based): chr7:117,603,644, G>C. VCF-style: chr7-117603644-G-C. GRCh37 (hg19) VCF-style: chr7-117243698-G-C.
Other names: short protein forms D924H.
Identifiers: ClinVar variation 565487 (VCV000565487.51), dbSNP rs201759207, ClinGen allele CA368986725.
Genomic context (GRCh38, chr7:117,603,644, plus strand): 5'-GCAGTGATTATCACCAGCACCAGTTCGTATTATGTGTTTTACATTTACGTGGGAGTAGCC[G>C]ACACTTTGCTTGCTATGGGATTCTTCAGAGGTCTACCACTGGTGCATACTCTAATCACAG-3'
Protein context (NP_000483.3, residues 914-934): YVFYIYVGVA[Asp924His]TLLAMGFFRG

ClinVar aggregate classification (germline): Uncertain significance. Review status: criteria provided, multiple submitters, no conflicts (2 of 4 stars). 5 submissions from 5 submitters: Uncertain significance (4). 1 of the submissions does not count toward it. Last evaluated 2025-10-18.

Conditions:
Cystic fibrosis (CF). Also called: MUCOVISCIDOSIS. Identifiers: Orphanet 586, MedGen C0010674, MONDO:0009061, OMIM 219700. Disease mechanism: loss of function.
CFTR-related disorder (CFTR-RD). Also called: CFTR-related condition; CFTR-related disorders. Identifiers: MedGen C5924204, MONDO:7770004.

Allele frequency attached by ClinVar (database versions not stated): TOPMed 0.00001.
gnomAD v4.1: 7 of 1,613,918 alleles (0.00043%); highest among the groups gnomAD compares: African/African-American, 0.0027%; no homozygotes.

Submissions (5):

Ambry Genetics
Classification: Uncertain significance for Cystic fibrosis. Last evaluated: 2025-10-18. Review status: criteria provided, single submitter. Criteria: Ambry Variant Classification Scheme 2023. Collection method: clinical testing. Allele origin: germline.

Labcorp Genetics (formerly Invitae), Labcorp
Classification: Uncertain significance for Cystic fibrosis. Last evaluated: 2023-06-19. Review status: criteria provided, single submitter. Criteria: Invitae Variant Classification Sherloc (09022015). Collection method: clinical testing. Allele origin: germline.
Comment: In summary, the available evidence is currently insufficient to determine the role of this variant in disease. Therefore, it has been classified as a Variant of Uncertain Significance. Advanced modeling of protein sequence and biophysical properties (such as structural, functional, and spatial information, amino acid conservation, physicochemical variation, residue mobility, and thermodynamic stability) performed at Invitae indicates that this missense variant is expected to disrupt CFTR protein function. ClinVar contains an entry for this variant (Variation ID: 565487). This variant has not been reported in the literature in individuals affected with CFTR-related conditions. This variant is not present in population databases (gnomAD no frequency). This sequence change replaces aspartic acid, which is acidic and polar, with histidine, which is basic and polar, at codon 924 of the CFTR protein (p.Asp924His).

Genome-Nilou Lab
Classification: Uncertain significance for Cystic fibrosis. Last evaluated: 2021-09-05. Review status: criteria provided, single submitter. Criteria: ACMG Guidelines, 2015. Collection method: clinical testing. Allele origin: germline. Affected: no.

CeGaT Center for Human Genetics Tuebingen
Classification: Uncertain significance. Last evaluated: 2018-07-01. Review status: criteria provided, single submitter. Criteria: CeGaT Center For Human Genetics Tuebingen Variant Classification Criteria Version 2. Collection method: clinical testing. Allele origin: germline. Affected: yes. Observed: 1 variant allele.

Natera, Inc.
Classification: Uncertain significance for CFTR-related disorders. Last evaluated: 2019-02-15. Review status: no assertion criteria provided. Collection method: clinical testing. Allele origin: germline. Not counted in ClinVar's aggregate classification.